The following is an entry in ClinVar:

ClinVar aggregate classification (germline): Uncertain significance (1 of 4 stars; one submission).

Conditions:
Hereditary cancer-predisposing syndrome. Also called: Hereditary Cancer Syndrome; Hereditary neoplastic syndrome; Neoplastic Syndromes, Hereditary; Tumor predisposition. Identifiers: Orphanet 140162, MedGen C0027672, MeSH D009386, MONDO:0015356.

Submission:

Ambry Genetics
Classification: Uncertain significance for Hereditary cancer-predisposing syndrome. Last evaluated: 2025-06-24. Review status: criteria provided, single submitter. Criteria: Ambry Variant Classification Scheme 2023. Collection method: clinical testing. Allele origin: germline.
Comment: The p.P3116T variant (also known as c.9346C>A), located in coding exon 24 of the BRCA2 gene, results from a C to A substitution at nucleotide position 9346. The proline at codon 3116 is replaced by threonine, an amino acid with highly similar properties. This amino acid position is conserved. In addition, the in silico prediction for this alteration is inconclusive. Based on the available evidence, the clinical significance of this variant remains unclear.

NM_000059.4(BRCA2):c.9346C>A (p.Pro3116Thr)

Gene: BRCA2 (BRCA2 DNA repair associated; plus strand). Cytogenetic location: 13q13.1.
Variant type: single nucleotide variant.
Coding change: c.9346C>A on transcript NM_000059.4 (MANE Select); coding-DNA position 9346, C replaced by A.
Protein change: p.Pro3116Thr; replaces proline 3116 with threonine.
Molecular consequence: missense variant. On other transcripts: non-coding transcript variant (1).
Genome position (GRCh38, 1-based): chr13:32,394,778, C>A. VCF-style: chr13-32394778-C-A. GRCh37 (hg19) VCF-style: chr13-32968915-C-A.
Other names: c.9250C>A, p.Pro3084Thr (NM_001406719.1); c.9295C>A, p.Pro3099Thr (NM_001406720.1); c.4414C>A, p.Pro1472Thr (NM_001406721.1); c.2929C>A, p.Pro977Thr (NM_001406722.1); c.9346C>A, p.Pro3116Thr (NM_001432077.1); short protein forms P1472T, P3116T, P3084T, P3099T, P977T.
Identifiers: ClinVar variation 4215748 (VCV004215748.1).